The following is an entry in ClinVar:

NM_000071.3(CBS):c.1330G>C (p.Asp444His)

Gene: CBS (cystathionine beta-synthase; minus strand). Cytogenetic location: 21q22.3.
Variant type: single nucleotide variant.
Coding change: c.1330G>C on transcript NM_000071.3 (MANE Select); coding-DNA position 1330, G replaced by C.
Protein change: p.Asp444His; replaces aspartic acid 444 with histidine.
Molecular consequence: missense variant.
Genome position (GRCh38, 1-based): chr21:43,058,862, C>G on the plus strand (G>C on the coding strand, the complement: CBS is on the minus strand). VCF-style: chr21-43058862-C-G. GRCh37 (hg19) VCF-style: chr21-44478972-C-G.
Other names: c.1330G>C, p.Asp444His (NM_001178008.3, NM_001178009.3, NM_001320298.2); c.1015G>C, p.Asp339His (NM_001321072.1); short protein forms D339H, D444H.
Identifiers: ClinVar variation 4803217 (VCV004803217.1).

ClinVar aggregate classification (germline): Likely pathogenic (1 of 4 stars; one submission).

Conditions:
HYPERHOMOCYSTEINEMIA, THROMBOTIC, CBS-RELATED. Identifiers: MedGen C3150344, OMIM 236200.

Submission:

Labcorp Genetics (formerly Invitae), Labcorp
Classification: Likely pathogenic for HYPERHOMOCYSTEINEMIA, THROMBOTIC, CBS-RELATED. Last evaluated: 2026-01-20. Review status: criteria provided, single submitter. Criteria: Invitae Variant Classification Sherloc (09022015). Collection method: clinical testing. Allele origin: germline.
Comment: This sequence change replaces aspartic acid, which is acidic and polar, with histidine, which is basic and polar, at codon 444 of the CBS protein (p.Asp444His). This variant is not present in population databases (gnomAD no frequency). This variant has not been reported in the literature in individuals affected with CBS-related conditions. Invitae Evidence Modeling of protein sequence and biophysical properties (such as structural, functional, and spatial information, amino acid conservation, physicochemical variation, residue mobility, and thermodynamic stability) indicates that this missense variant is expected to disrupt CBS protein function with a positive predictive value of 95%. This variant disrupts the p.Asp444 amino acid residue in CBS. Other variant(s) that disrupt this residue have been determined to be pathogenic (PMID: 8755636, 14722619, 14972327, 16479318, 20490928, 20506325, 21520339, 22069143, 25044645). This suggests that this residue is clinically significant, and that variants that disrupt this residue are likely to be disease-causing. In summary, the currently available evidence indicates that the variant is pathogenic, but additional data are needed to prove that conclusively. Therefore, this variant has been classified as Likely Pathogenic.

Literature cited by the submitters: PubMed 8755636; PubMed 14722619; PubMed 14972327; PubMed 16479318; PubMed 20490928; PubMed 20506325; PubMed 21520339; PubMed 22069143; PubMed 25044645.